The following is an entry in ClinVar:

NM_000140.5(FECH):c.315-1G>C

Gene: FECH (ferrochelatase; minus strand). Cytogenetic location: 18q21.31.
Variant type: single nucleotide variant.
Coding change: c.315-1G>C on transcript NM_000140.5 (MANE Select); the canonical splice acceptor site of the intron before coding-DNA position 315, G replaced by C.
Molecular consequence: splice acceptor variant.
Genome position (GRCh38, 1-based): chr18:57,571,541, C>G on the plus strand (G>C on the coding strand, the complement: FECH is on the minus strand). VCF-style: chr18-57571541-C-G. GRCh37 (hg19) VCF-style: chr18-55238773-C-G.
Other names: c.315-1G>C (NM_001371094.1, NM_001374778.1); c.333-1G>C (NM_001012515.4); c.99-1G>C (NM_001371095.1).
Identifiers: ClinVar variation 3033502 (VCV003033502.2), dbSNP rs2511539097, ClinGen allele CA402536783.

ClinVar aggregate classification (germline): Likely pathogenic (0 of 4 stars; one submission).

Conditions:
FECH-related disorder. Also called: FECH-related condition.

Submission:

PreventionGenetics, part of Exact Sciences
Classification: Likely pathogenic for FECH-related condition. Last evaluated: 2023-12-17. Review status: no assertion criteria provided. Collection method: clinical testing. Allele origin: germline.
Comment: The FECH c.315-1G>C variant is predicted to disrupt the AG splice acceptor site and interfere with normal splicing. To our knowledge, this variant has not been reported in the literature or in a large population database, indicating this variant is rare. Variants that disrupt the consensus splice acceptor site in FECH are expected to be pathogenic. This variant is interpreted as likely pathogenic.